The following is an entry in ClinVar:

NM_001377137.1(GBF1):c.426T>G (p.Thr142=)

Gene: GBF1 (golgi brefeldin A resistant guanine nucleotide exchange factor 1; plus strand). Cytogenetic location: 10q24.32.
Variant type: single nucleotide variant.
Coding change: c.426T>G on transcript NM_001377137.1 (MANE Select); coding-DNA position 426, T replaced by G.
Protein change: p.Thr142=; no amino-acid change (threonine 142 retained).
Molecular consequence: synonymous variant. On other transcripts: non-coding transcript variant (5).
Genome position (GRCh38, 1-based): chr10:102,351,854, T>G. VCF-style: chr10-102351854-T-G. GRCh37 (hg19) VCF-style: chr10-104111611-T-G.
Other names: c.426T>G, p.Thr142= (NM_001199378.2, NM_001199379.2, NM_001377138.1 and 16 more transcripts).
Identifiers: ClinVar variation 4085875 (VCV004085875.8).

ClinVar aggregate classification (germline): Likely benign (1 of 4 stars; one submission).

Submission:

CeGaT Center for Human Genetics Tuebingen
Classification: Likely benign. Last evaluated: 2025-08-01. Review status: criteria provided, single submitter. Criteria: CeGaT Center For Human Genetics Tuebingen Variant Classification Criteria Version 2. Collection method: clinical testing. Allele origin: germline. Affected: yes. Observed: 1 variant allele.
Comment: GBF1: BP4, BP7